The following is an entry in ClinVar:

NM_177438.3(DICER1):c.1133T>C (p.Ile378Thr)

Gene: DICER1 (dicer 1, ribonuclease III; minus strand). Cytogenetic location: 14q32.13.
Variant type: single nucleotide variant.
Coding change: c.1133T>C on transcript NM_177438.3 (MANE Select); coding-DNA position 1133, T replaced by C.
Protein change: p.Ile378Thr; replaces isoleucine 378 with threonine.
Molecular consequence: missense variant. On other transcripts: 5 prime UTR variant (1), non-coding transcript variant (6).
Genome position (GRCh38, 1-based): chr14:95,124,439, A>G on the plus strand (T>C on the coding strand, the complement: DICER1 is on the minus strand). VCF-style: chr14-95124439-A-G. GRCh37 (hg19) VCF-style: chr14-95590776-A-G.
Other names: c.1133T>C, p.Ile378Thr (NM_001195573.1, NM_001271282.3, NM_001291628.2 and 15 more transcripts); c.851T>C, p.Ile284Thr (NM_001395686.1); c.728T>C, p.Ile243Thr (NM_001395688.1, NM_001395689.1, NM_001395687.1 and 3 more transcripts); c.566T>C, p.Ile189Thr (NM_001395691.1); c.-436T>C (NM_001395697.1); short protein forms I378T, I243T, I189T, I284T.
Identifiers: ClinVar variation 1729142 (VCV001729142.2), dbSNP rs775070199, ClinGen allele CA390886891.
Genomic context (GRCh38, chr14:95,124,439, plus strand): 5'-ACGCTTTCAAACTGCTGTCGCTCATATGGTTTATATTTGCGTAAGATTTCGAGCAGTTTG[A>G]TTACTTTAGGAGTTACAAATTTCAGGTCAAGTGAGGCAGGTGAGAAGTGCTCTTCACATA-3'
Protein context (NP_803187.1, residues 368-388): LDLKFVTPKV[Ile378Thr]KLLEILRKYK

ClinVar aggregate classification (germline): Uncertain significance (1 of 4 stars; one submission).

Conditions:
Hereditary cancer-predisposing syndrome. Also called: Tumor predisposition; Neoplastic Syndromes, Hereditary; Hereditary Cancer Syndrome; Hereditary neoplastic syndrome. Identifiers: Orphanet 140162, MedGen C0027672, MeSH D009386, MONDO:0015356.

gnomAD v4.1: 1 of 1,614,156 alleles (0.000062%); highest among the groups gnomAD compares: Non-Finnish European, 0.000085%; no homozygotes.

Submission:

Ambry Genetics
Classification: Uncertain significance for Hereditary cancer-predisposing syndrome. Last evaluated: 2020-05-21. Review status: criteria provided, single submitter. Criteria: Ambry Variant Classification Scheme 2023. Collection method: clinical testing. Allele origin: germline.
Comment: The p.I378T variant (also known as c.1133T>C), located in coding exon 7 of the DICER1 gene, results from a T to C substitution at nucleotide position 1133. The isoleucine at codon 378 is replaced by threonine, an amino acid with similar properties. This amino acid position is not well conserved in available vertebrate species. In addition, this alteration is predicted to be tolerated by in silico analysis. Since supporting evidence is limited at this time, the clinical significance of this alteration remains unclear.